The following is an entry in ClinVar:

ClinVar aggregate classification (germline): Pathogenic (1 of 4 stars; one submission).

Conditions:
Hearing loss, autosomal recessive 106. Also called: DEAFNESS, AUTOSOMAL RECESSIVE 106. Identifiers: MedGen C4539954, MONDO:0033198, OMIM 617637.

Submission:

3billion
Classification: Pathogenic for Hearing loss, autosomal recessive 106. Last evaluated: 2024-11-06. Review status: criteria provided, single submitter. Criteria: ACMG Guidelines, 2015. Collection method: clinical testing. Allele origin: germline. Affected: yes.
Comment: The variant is not observed in the gnomAD v4.1.0 dataset. Predicted Consequence/Location: Stop-gained (nonsense): predicted to result in a loss or disruption of normal protein function through nonsense-mediated decay (NMD) or protein truncation. Multiple pathogenic variants are reported downstream of the variant. Therefore, this variant is classified as Pathogenic according to the recommendation of ACMG/AMP guideline.

NM_022772.4(EPS8L2):c.1176G>A (p.Trp392Ter)

Gene: EPS8L2 (EPS8 signaling adaptor L2; plus strand). Cytogenetic location: 11p15.5.
Variant type: single nucleotide variant.
Coding change: c.1176G>A on transcript NM_022772.4 (MANE Select); coding-DNA position 1176, G replaced by A.
Protein change: p.Trp392Ter; replaces tryptophan 392 with a stop codon.
Molecular consequence: nonsense.
Genome position (GRCh38, 1-based): chr11:722,517, G>A. VCF-style: chr11-722517-G-A. GRCh37 (hg19) VCF-style: chr11-722517-G-A.
Other names: c.1176G>A, p.Trp392Ter (NM_001441192.1, NM_001441193.1); c.639G>A, p.Trp213Ter (NM_001441194.1); short protein forms W213*, W392*.
Identifiers: ClinVar variation 4293253 (VCV004293253.1).